The following is an entry in ClinVar:

ClinVar aggregate classification (germline): Pathogenic (1 of 4 stars; one submission).

Conditions:
Nemaline myopathy 2 (NEM2). Also called: Nemaline myopathy 2, autosomal recessive. Identifiers: MedGen C1850569, MONDO:0009725, OMIM 256030.

Submission:

Labcorp Genetics (formerly Invitae), Labcorp
Classification: Pathogenic for Nemaline myopathy 2. Last evaluated: 2022-01-23. Review status: criteria provided, single submitter. Criteria: Invitae Variant Classification Sherloc (09022015). Collection method: clinical testing. Allele origin: germline.
Comment: For these reasons, this variant has been classified as Pathogenic. This variant has not been reported in the literature in individuals affected with NEB-related conditions. This variant is not present in population databases (gnomAD no frequency). This sequence change creates a premature translational stop signal (p.Lys7922Argfs*4) in the NEB gene. It is expected to result in an absent or disrupted protein product. Loss-of-function variants in NEB are known to be pathogenic (PMID: 25205138).

Literature cited by the submitters: PubMed 25205138.

NM_001164508.2(NEB):c.23660del (p.Lys7887fs)

Genes: NEB (nebulin; minus strand), RIF1 (replication timing regulatory factor 1; plus strand). Cytogenetic location: 2q23.3.
Variant type: Deletion.
Coding change: c.23660del on transcript NM_001164508.2 (MANE Select); coding-DNA position 23660, one base deleted (A; older notation c.23660delA).
Protein change: p.Lys7887fs; shifts the reading frame from lysine 7887.
Molecular consequence: frameshift variant.
Genome position (GRCh38, 1-based): chr2:151,505,560, T deleted on the plus strand (A on the coding strand, the reverse complement: NEB is on the minus strand); the first of 2 consecutive T bases (chr2:151,505,560-151,505,561); deleting either gives the same sequence. VCF-style (leftmost placement, unchanged base first): chr2-151505559-CT-C. GRCh37 (hg19) VCF-style: chr2-152362073-CT-C.
Other names: c.23660del, p.Lys7887fs (NM_001164507.2); c.23765del, p.Lys7922fs (NM_001271208.2); c.18557del, p.Lys6186fs (NM_004543.5); short protein forms K7887fs, K6186fs, K7922fs.
Identifiers: ClinVar variation 2089241 (VCV002089241.4), dbSNP rs2551971087, ClinGen allele CA2577119417.